The following is an entry in ClinVar:

ClinVar aggregate classification (germline): Uncertain significance (1 of 4 stars; one submission).

Submission:

CeGaT Center for Human Genetics Tuebingen
Classification: Uncertain significance. Last evaluated: 2024-12-01. Review status: criteria provided, single submitter. Criteria: CeGaT Center For Human Genetics Tuebingen Variant Classification Criteria Version 2. Collection method: clinical testing. Allele origin: germline. Affected: yes. Observed: 1 variant allele.
Comment: ODC1: PM2

NM_002539.3(ODC1):c.1241+3A>C

Gene: ODC1 (ornithine decarboxylase 1; minus strand). Cytogenetic location: 2p25.1.
Variant type: single nucleotide variant.
Coding change: c.1241+3A>C on transcript NM_002539.3 (MANE Select); 3 bases into the intron after coding-DNA position 1241, A replaced by C.
Molecular consequence: intron variant.
Genome position (GRCh38, 1-based): chr2:10,441,506, T>G on the plus strand (A>C on the coding strand, the complement: ODC1 is on the minus strand). VCF-style: chr2-10441506-T-G. GRCh37 (hg19) VCF-style: chr2-10581632-T-G.
Other names: c.854+3A>C (NM_001287188.2); c.1241+3A>C (NM_001287190.2, NM_001287189.2).
Identifiers: ClinVar variation 3772044 (VCV003772044.13).
Genomic context (GRCh38, chr2:10,441,506, plus strand): 5'-GAAGCACACATCCAAGAAGGTGCCTATTCTTGGCAGCACCATCAACATGCATGGCTTACT[T>G]ACCACGCAGGCCCTGACATCACATAGTAGATCGTCGGCCTCTGGAAGCCATTGAACGTAG-3'